The following is an entry in ClinVar:

ClinVar aggregate classification (germline): Benign. Review status: criteria provided, multiple submitters, no conflicts (2 of 4 stars). 6 submissions from 6 submitters: Benign (6). Last evaluated 2026-02-01.

Conditions:
Autosomal dominant nonsyndromic hearing loss 9. Identifiers: Orphanet 90635, MedGen C1832425, MONDO:0011058, OMIM 601369.

Allele frequency attached by ClinVar (database versions not stated): gnomAD 0.00648 and 0.00689; ESP Exome Variant Server 0.00700; TOPMed 0.00714; 1000 Genomes Project 0.00978; 1000 Genomes Project 30x 0.01046.
gnomAD v4.1: 1,816 of 1,614,124 alleles (0.11%); highest among the groups gnomAD compares: African/African-American, 2.1%; 25 homozygotes.

Submissions (6):

Labcorp Genetics (formerly Invitae), Labcorp
Classification: Benign. Last evaluated: 2026-02-01. Review status: criteria provided, single submitter. Criteria: Invitae Variant Classification Sherloc (09022015). Collection method: clinical testing. Allele origin: germline.

ARUP Laboratories, Molecular Genetics and Genomics, ARUP Laboratories
Classification: Benign. Last evaluated: 2023-09-21. Review status: criteria provided, single submitter. Criteria: ARUP Molecular Germline Variant Investigation Process 2024. Collection method: clinical testing. Allele origin: germline.

GeneDx
Classification: Benign. Last evaluated: 2018-05-03. Review status: criteria provided, single submitter. Criteria: GeneDx Variant Classification (06012015). Collection method: clinical testing. Allele origin: germline. Affected: yes.
Comment: This variant is considered likely benign or benign based on one or more of the following criteria: it is a conservative change, it occurs at a poorly conserved position in the protein, it is predicted to be benign by multiple in silico algorithms, and/or has population frequency not consistent with disease.

Illumina Laboratory Services, Illumina
Classification: Benign for Autosomal dominant nonsyndromic hearing loss 9. Last evaluated: 2018-01-13. Review status: criteria provided, single submitter. Criteria: ICSL Variant Classification Criteria 13 December 2019. Collection method: clinical testing. Allele origin: germline.
Comment: This variant was observed in the ICSL laboratory as part of a predisposition screen in an ostensibly healthy population. It had not been previously curated by ICSL or reported in the Human Gene Mutation Database (HGMD: prior to June 1st, 2018), and was therefore a candidate for classification through an automated scoring system. Utilizing variant allele frequency, disease prevalence and penetrance estimates, and inheritance mode, an automated score was calculated to assess if this variant is too frequent to cause the disease. Based on the score and internal cut-off values, a variant classified as benign is not then subjected to further curation. The score for this variant resulted in a classification of benign for this disease.

Laboratory for Molecular Medicine, Mass General Brigham Personalized Medicine
Classification: Benign. Last evaluated: 2012-05-07. Review status: criteria provided, single submitter. Criteria: LMM Criteria. Collection method: clinical testing. Allele origin: germline. Observed: 6 variant alleles.
Comment: "Asp423Asp in Exon 11 of COCH: This variant is not expected to have clinical sig nificance because it does not alter an amino acid residue, is not located within the splice consensus sequence, and has been identified in 2.3% (87/3738) of Afr ican American chromosomes from a broad population by the NHLBI Exome Sequencing Project (dbSNP rs35353967)."

Breakthrough Genomics
Classification: Benign. Review status: criteria provided, single submitter. Criteria: ACMG Guidelines, 2015. Collection method: not provided. Allele origin: germline. Inheritance: Autosomal recessive inheritance. Affected: yes.

NM_004086.3(COCH):c.1269C>T (p.Asp423=)

Genes: COCH (cochlin; plus strand), COCH-AS1 (COCH antisense RNA 1; minus strand). Cytogenetic location: 14q12.
Variant type: single nucleotide variant.
Coding change: c.1269C>T on transcript NM_004086.3 (MANE Select); coding-DNA position 1269, C replaced by T.
Protein change: p.Asp423=; no amino-acid change (aspartic acid 423 retained).
Molecular consequence: synonymous variant. On other transcripts: non-coding transcript variant (1).
Genome position (GRCh38, 1-based): chr14:30,886,104, C>T. VCF-style: chr14-30886104-C-T. GRCh37 (hg19) VCF-style: chr14-31355310-C-T.
Other names: c.1269C>T, p.Asp423= (NM_001135058.2); c.1464C>T, p.Asp488= (NM_001347720.2).
Identifiers: ClinVar variation 226526 (VCV000226526.26), dbSNP rs35353967, ClinGen allele CA7143294.